The following is an entry in ClinVar:

NM_001374259.2(IL12RB2):c.1989C>G (p.Ser663Arg)

Gene: IL12RB2 (interleukin 12 receptor subunit beta 2; plus strand). Cytogenetic location: 1p31.3.
Variant type: single nucleotide variant.
Coding change: c.1989C>G on transcript NM_001374259.2 (MANE Select); coding-DNA position 1989, C replaced by G.
Protein change: p.Ser663Arg; replaces serine 663 with arginine.
Molecular consequence: missense variant. On other transcripts: non-coding transcript variant (2), intron variant (3).
Genome position (GRCh38, 1-based): chr1:67,390,071, C>G. VCF-style: chr1-67390071-C-G. GRCh37 (hg19) VCF-style: chr1-67855754-C-G.
Other names: c.1731C>G, p.Ser577Arg (NM_001258215.1); c.1989C>G, p.Ser663Arg (NM_001559.3); c.1946+3402C>G (NM_001258214.1, NM_001319233.1); c.1856-5476C>G (NM_001258216.1); short protein forms S577R, S663R.
Identifiers: ClinVar variation 1488423 (VCV001488423.8), dbSNP rs1197458975, ClinGen allele CA340734028.

ClinVar aggregate classification (germline): Uncertain significance (1 of 4 stars; one submission).

Allele frequency attached by ClinVar (database versions not stated): gnomAD exomes below 0.00001; TOPMed below 0.00001.
gnomAD v4.1: 1 of 1,402,332 alleles (0.000071%); highest among the groups gnomAD compares: Admixed American, 0.0017%; no homozygotes.

Submission:

Labcorp Genetics (formerly Invitae), Labcorp
Classification: Uncertain significance. Last evaluated: 2023-08-04. Review status: criteria provided, single submitter. Criteria: Invitae Variant Classification Sherloc (09022015). Collection method: clinical testing. Allele origin: germline.
Comment: Algorithms developed to predict the effect of missense changes on protein structure and function output the following: SIFT: "Not Available"; PolyPhen-2: "Benign"; Align-GVGD: "Not Available". The arginine amino acid residue is found in multiple mammalian species, which suggests that this missense change does not adversely affect protein function. ClinVar contains an entry for this variant (Variation ID: 1488423). This variant has not been reported in the literature in individuals affected with IL12RB2-related conditions. This variant is present in population databases (no rsID available, gnomAD 0.003%). This sequence change replaces serine, which is neutral and polar, with arginine, which is basic and polar, at codon 663 of the IL12RB2 protein (p.Ser663Arg). In summary, the available evidence is currently insufficient to determine the role of this variant in disease. Therefore, it has been classified as a Variant of Uncertain Significance.